The following is an entry in ClinVar:

NM_000416.3(IFNGR1):c.1314A>G (p.Ile438Met)

Gene: IFNGR1 (interferon gamma receptor 1; minus strand). Cytogenetic location: 6q23.3.
Variant type: single nucleotide variant.
Coding change: c.1314A>G on transcript NM_000416.3 (MANE Select); coding-DNA position 1314, A replaced by G.
Protein change: p.Ile438Met; replaces isoleucine 438 with methionine.
Molecular consequence: missense variant.
Genome position (GRCh38, 1-based): chr6:137,198,187, T>C on the plus strand (A>G on the coding strand, the complement: IFNGR1 is on the minus strand). VCF-style: chr6-137198187-T-C. GRCh37 (hg19) VCF-style: chr6-137519324-T-C.
Other names: c.1284A>G, p.Ile428Met (NM_001363526.1); c.1191A>G, p.Ile397Met (NM_001363527.1); short protein forms I397M, I428M, I438M.
Identifiers: ClinVar variation 1057459 (VCV001057459.10), dbSNP rs1382790511, ClinGen allele CA365772112.
Genomic context (GRCh38, chr6:137,198,187, plus strand): 5'-ATCATAACCAAAGGAGGTGGGGGCTTTTATTACGGTTATGAGCTCTTGTCCTTCTGTTTT[T>C]ATTTCACCTTTATTATTTGGGGGAAATTCTGAGTCAGATAAGGAGCTATGTGATTCCAGA-3'
Protein context (NP_000407.1, residues 428-448): SEFPPNNKGE[Ile438Met]KTEGQELITV

ClinVar aggregate classification (germline): Uncertain significance (1 of 4 stars; one submission).

Conditions:
Disseminated atypical mycobacterial infection. Identifiers: MedGen C0694566.

Submission:

Labcorp Genetics (formerly Invitae), Labcorp
Classification: Uncertain significance for Disseminated atypical mycobacterial infection. Last evaluated: 2025-06-16. Review status: criteria provided, single submitter. Criteria: Invitae Variant Classification Sherloc (09022015). Collection method: clinical testing. Allele origin: germline.
Comment: This sequence change replaces isoleucine, which is neutral and non-polar, with methionine, which is neutral and non-polar, at codon 438 of the IFNGR1 protein (p.Ile438Met). This variant is not present in population databases (gnomAD no frequency). This variant has not been reported in the literature in individuals affected with IFNGR1-related conditions. ClinVar contains an entry for this variant (Variation ID: 1057459). An algorithm developed to predict the effect of missense changes on protein structure and function outputs the following: PolyPhen-2: "Benign". The methionine amino acid residue is found in multiple mammalian species, which suggests that this missense change does not adversely affect protein function. In summary, the available evidence is currently insufficient to determine the role of this variant in disease. Therefore, it has been classified as a Variant of Uncertain Significance.